The following is an entry in ClinVar:

ClinVar aggregate classification (germline): Likely pathogenic. Review status: criteria provided, multiple submitters, no conflicts (2 of 4 stars). 2 submissions from 2 submitters: Likely pathogenic (2). Last evaluated 2026-05-01.

Conditions:
TCIRG1-related disorder. Also called: TCIRG1-related condition.

Allele frequency attached by ClinVar (database versions not stated): gnomAD exomes below 0.00001.
gnomAD v4.1: 2 of 1,613,414 alleles (0.00012%); highest among the groups gnomAD compares: Non-Finnish European, 0.00017%; no homozygotes.

Submissions (2):

PreventionGenetics, part of Exact Sciences
Classification: Likely pathogenic for TCIRG1-related condition. Last evaluated: 2026-05-01. Review status: criteria provided, single submitter. Criteria: ACMG Guidelines, 2015. Collection method: clinical testing. Allele origin: germline.
Comment: The TCIRG1 c.2206C>T variant is predicted to result in the amino acid substitution p.Arg736Cys. This variant has been reported in the compound heterozygous state with a pathogenic variant in two unrelated individuals with autosomal recessive osteopetrosis (El‑Kamah et al. 2023. PubMed ID: 37107657). It has also been identified in the heterozygous state in individuals or families with congenital neutropenia, including at least one de novo occurrence (Table 1 and Figure 1, Makaryan et al. 2025. PubMed ID: 40964614). In addition, this variant has been described in association with autosomal dominant bone marrow failure syndrome (Table S5, Gálvez et al. 2021. PubMed ID: 33718801). Other missense substitutions affecting the same codon (p.Arg736Ser, p.Arg736Pro) have been reported in the heterozygous state in individuals or families with congenital neutropenia (Makaryan et al. 2014. PubMed ID: 24753205; Table 1, Makaryan et al. 2025. PubMed ID: 40964614). Functional studies show that this variant impairs neutrophil development (Makaryan et al. 2025. PubMed ID: 40964614). This variant has not been reported in a large population database (gnomAD), indicating this variant is rare. This variant is interpreted as likely pathogenic.

Labcorp Genetics (formerly Invitae), Labcorp
Classification: Likely pathogenic. Last evaluated: 2026-01-24. Review status: criteria provided, single submitter. Criteria: Invitae Variant Classification Sherloc (09022015). Collection method: clinical testing. Allele origin: germline.
Comment: This sequence change replaces arginine, which is basic and polar, with cysteine, which is neutral and slightly polar, at codon 736 of the TCIRG1 protein (p.Arg736Cys). This variant is not present in population databases (gnomAD no frequency). This missense change has been observed in individuals with autosomal dominant severe congenital neutropenia (PMID: 33718801; internal data). This variant has been reported in individual(s) with autosomal recessive osteopetrosis (PMID: 37107657); however, the role of the variant in this condition is currently unclear. ClinVar contains an entry for this variant (Variation ID: 2780219). Invitae Evidence Modeling of protein sequence and biophysical properties (such as structural, functional, and spatial information, amino acid conservation, physicochemical variation, residue mobility, and thermodynamic stability) indicates that this missense variant is expected to disrupt TCIRG1 protein function with a positive predictive value of 80%. This variant disrupts the p.Arg736 amino acid residue in TCIRG1. Other variant(s) that disrupt this residue have been determined to be pathogenic (PMID: 24753205). This suggests that this residue is clinically significant, and that variants that disrupt this residue are likely to be disease-causing. In summary, the currently available evidence indicates that the variant is pathogenic, but additional data are needed to prove that conclusively. Therefore, this variant has been classified as Likely Pathogenic.

Literature cited by the submitters: PubMed 33718801 (cited by Labcorp Genetics (formerly Invitae), Labcorp); PubMed 37107657 (cited by Labcorp Genetics (formerly Invitae), Labcorp); PubMed 24753205 (cited by Labcorp Genetics (formerly Invitae), Labcorp).

NM_006019.4(TCIRG1):c.2206C>T (p.Arg736Cys)

Gene: TCIRG1 (T cell immune regulator 1, ATPase H+ transporting V0 subunit a3; plus strand). Cytogenetic location: 11q13.2.
Variant type: single nucleotide variant.
Coding change: c.2206C>T on transcript NM_006019.4 (MANE Select); coding-DNA position 2206, C replaced by T.
Protein change: p.Arg736Cys; replaces arginine 736 with cysteine.
Molecular consequence: missense variant.
Genome position (GRCh38, 1-based): chr11:68,050,224, C>T. VCF-style: chr11-68050224-C-T. GRCh37 (hg19) VCF-style: chr11-67817691-C-T.
Other names: c.1312C>T, p.Arg438Cys (NM_001351059.2); c.1558C>T, p.Arg520Cys (NM_006053.4); c.2206C>T (NM_006019.3); short protein forms R438C, R520C, R736C.
Identifiers: ClinVar variation 2780219 (VCV002780219.4), dbSNP rs587779413, ClinGen allele CA381590633.